The following is an entry in ClinVar:

ClinVar aggregate classification (germline): Uncertain significance. Review status: criteria provided, multiple submitters, no conflicts (2 of 4 stars). 2 submissions from 2 submitters: Uncertain significance (2). Last evaluated 2025-12-14.

Conditions:
Hereditary cancer-predisposing syndrome. Also called: Hereditary Cancer Syndrome; Neoplastic Syndromes, Hereditary; Tumor predisposition; Hereditary neoplastic syndrome. Identifiers: Orphanet 140162, MedGen C0027672, MeSH D009386, MONDO:0015356.

Submissions (2):

Labcorp Genetics (formerly Invitae), Labcorp
Classification: Uncertain significance. Last evaluated: 2025-12-14. Review status: criteria provided, single submitter. Criteria: Invitae Variant Classification Sherloc (09022015). Collection method: clinical testing. Allele origin: germline.
Comment: This sequence change replaces valine, which is neutral and non-polar, with methionine, which is neutral and non-polar, at codon 1009 of the POLE protein (p.Val1009Met). This variant is not present in population databases (gnomAD no frequency). This variant has not been reported in the literature in individuals affected with POLE-related conditions. ClinVar contains an entry for this variant (Variation ID: 2749592). Invitae Evidence Modeling of protein sequence and biophysical properties (such as structural, functional, and spatial information, amino acid conservation, physicochemical variation, residue mobility, and thermodynamic stability) has been performed for this missense variant. However, the output from this modeling did not meet the statistical confidence thresholds required to predict the impact of this variant on POLE protein function. In summary, the available evidence is currently insufficient to determine the role of this variant in disease. Therefore, it has been classified as a Variant of Uncertain Significance.

Ambry Genetics
Classification: Uncertain significance for Hereditary cancer-predisposing syndrome. Last evaluated: 2024-04-07. Review status: criteria provided, single submitter. Criteria: Ambry Variant Classification Scheme 2023. Collection method: clinical testing. Allele origin: germline.
Comment: The p.V1009M variant (also known as c.3025G>A), located in coding exon 25 of the POLE gene, results from a G to A substitution at nucleotide position 3025. The valine at codon 1009 is replaced by methionine, an amino acid with highly similar properties. This amino acid position is conserved. In addition, the in silico prediction for this alteration is inconclusive. Based on the available evidence, the clinical significance of this variant remains unclear.

NM_006231.4(POLE):c.3025G>A (p.Val1009Met)

Gene: POLE (DNA polymerase epsilon, catalytic subunit; minus strand). Cytogenetic location: 12q24.33.
Variant type: single nucleotide variant.
Coding change: c.3025G>A on transcript NM_006231.4 (MANE Select); coding-DNA position 3025, G replaced by A.
Protein change: p.Val1009Met; replaces valine 1009 with methionine.
Molecular consequence: missense variant.
Genome position (GRCh38, 1-based): chr12:132,661,004, C>T on the plus strand (G>A on the coding strand, the complement: POLE is on the minus strand). VCF-style: chr12-132661004-C-T. GRCh37 (hg19) VCF-style: chr12-133237590-C-T.
Other names: c.3025G>A (NM_006231.2); short protein forms V1009M.
Identifiers: ClinVar variation 2749592 (VCV002749592.4), dbSNP rs2138689220, ClinGen allele CA387392260.